The following is an entry in ClinVar:

ClinVar aggregate classification (germline): Uncertain significance (1 of 4 stars; one submission).

Submission:

Women's Health and Genetics/Laboratory Corporation of America, LabCorp
Classification: Uncertain significance. Last evaluated: 2025-07-28. Review status: criteria provided, single submitter. Criteria: LabCorp Variant Classification Summary - May 2015. Collection method: clinical testing. Allele origin: germline.
Comment: Variant summary: The variant involves the duplication of exons 1-3 in the GLDC gene. The exact breakpoint at the 5' end of this variant is unknown, therefore this duplication may extend upstream of the annotated region of this gene. It is predicted to duplicate a segment including the initiation codon, therefore its impact on the encoded protein is unknown. A presumed nomenclature of c.(?_-231)_(470+1_471-1)dup has been designated for the purposes of this classification. Similar variant allele was found at a frequency of 0.00065 in 21692 control chromosomes. This frequency is not significantly higher than estimated for a pathogenic variant in GLDC causing Glycine Encephalopathy (Non-Ketotic Hyperglycinemia) (0.00065 vs 0.0031), allowing no conclusion about variant significance. To our knowledge, no occurrence of c.(?_-231)_(470+1_471-1)dup in individuals affected with Glycine Encephalopathy (Non-Ketotic Hyperglycinemia) and no experimental evidence demonstrating its impact on protein function have been reported. ClinVar contains an entry for this variant (Variation ID: 462850). Based on the evidence outlined above, the variant was classified as uncertain significance.

NC_000009.11:g.(6610357_6620183)_(6645730_?)dup

Gene: GLDC (glycine decarboxylase; minus strand). Cytogenetic location: 9p24.1.
Variant type: Duplication.
Identifiers: ClinVar variation 3385178 (VCV003385178.2).